The following is an entry in ClinVar:

ClinVar aggregate classification (germline): Uncertain significance. Review status: criteria provided, multiple submitters, no conflicts (2 of 4 stars). 2 submissions from 2 submitters: Uncertain significance (2). Last evaluated 2025-12-21.

Conditions:
Primary dilated cardiomyopathy (DCM). Also called: Dilated Cardiomyopathy. Identifiers: Orphanet 217604, MedGen C0007193, MeSH D002311, MONDO:0005021, HP:0001644. Inheritance: Various modes of inheritance.

Allele frequency attached by ClinVar (database versions not stated): ExAC 0.00002; gnomAD 0.00002 and 0.00003; gnomAD exomes 0.00002 and 0.00011; TOPMed 0.00004; ESP Exome Variant Server 0.00008.
gnomAD v4.1: 160 of 1,613,114 alleles (0.0099%); highest among the groups gnomAD compares: Non-Finnish European, 0.013%; no homozygotes.

Submissions (2):

Labcorp Genetics (formerly Invitae), Labcorp
Classification: Uncertain significance for Primary dilated cardiomyopathy. Last evaluated: 2025-12-21. Review status: criteria provided, single submitter. Criteria: Invitae Variant Classification Sherloc (09022015). Collection method: clinical testing. Allele origin: germline.
Comment: This sequence change replaces methionine, which is neutral and non-polar, with threonine, which is neutral and polar, at codon 73 of the NEBL protein (p.Met73Thr). This variant is present in population databases (rs374218451, gnomAD 0.006%). This variant has not been reported in the literature in individuals affected with NEBL-related conditions. ClinVar contains an entry for this variant (Variation ID: 663788). An algorithm developed to predict the effect of missense changes on protein structure and function (PolyPhen-2) suggests that this variant is likely to be tolerated. In summary, the available evidence is currently insufficient to determine the role of this variant in disease. Therefore, it has been classified as a Variant of Uncertain Significance.

Ambry Genetics
Classification: Uncertain significance. Last evaluated: 2025-01-16. Review status: criteria provided, single submitter. Criteria: Ambry Variant Classification Scheme 2023. Collection method: clinical testing. Allele origin: germline.
Comment: The p.M73T variant (also known as c.218T>C), located in coding exon 3 of the NEBL gene, results from a T to C substitution at nucleotide position 218. The methionine at codon 73 is replaced by threonine, an amino acid with similar properties. This amino acid position is conserved. In addition, this alteration is predicted to be tolerated by in silico analysis. Based on the available evidence, the clinical significance of this variant remains unclear.

NM_006393.3(NEBL):c.218T>C (p.Met73Thr)

Gene: NEBL (nebulette; minus strand). Cytogenetic location: 10p12.31.
Variant type: single nucleotide variant.
Coding change: c.218T>C on transcript NM_006393.3 (MANE Select); coding-DNA position 218, T replaced by C.
Protein change: p.Met73Thr; replaces methionine 73 with threonine.
Molecular consequence: missense variant. On other transcripts: intron variant (9).
Genome position (GRCh38, 1-based): chr10:20,889,885, A>G on the plus strand (T>C on the coding strand, the complement: NEBL is on the minus strand). VCF-style: chr10-20889885-A-G. GRCh37 (hg19) VCF-style: chr10-21178814-A-G.
Other names: c.249+71787T>C (NM_001377326.1, NM_001377327.1, NM_001377328.1); c.357+71787T>C (NM_213569.2, NM_001173484.2, NM_001377322.1); c.300+71787T>C (NM_001377324.1); c.291+71787T>C (NM_001377325.1); c.309+71787T>C (NM_001377323.1); short protein forms M73T.
Identifiers: ClinVar variation 663788 (VCV000663788.12), dbSNP rs374218451, ClinGen allele CA5433327.